The following is an entry in ClinVar:

NM_015346.4(ZFYVE26):c.409G>A (p.Asp137Asn)

Gene: ZFYVE26 (zinc finger FYVE-type containing 26; minus strand). Cytogenetic location: 14q24.1.
Variant type: single nucleotide variant.
Coding change: c.409G>A on transcript NM_015346.4 (MANE Select); coding-DNA position 409, G replaced by A.
Protein change: p.Asp137Asn; replaces aspartic acid 137 with asparagine.
Molecular consequence: missense variant.
Genome position (GRCh38, 1-based): chr14:67,807,875, C>T on the plus strand (G>A on the coding strand, the complement: ZFYVE26 is on the minus strand). VCF-style: chr14-67807875-C-T. GRCh37 (hg19) VCF-style: chr14-68274592-C-T.
Other names: short protein forms D137N.
Identifiers: ClinVar variation 939318 (VCV000939318.7), dbSNP rs778916063, ClinGen allele CA7240789.

ClinVar aggregate classification (germline): Uncertain significance (1 of 4 stars; one submission).

Conditions:
Spastic paraplegia. Identifiers: MedGen C0037772, HP:0001258.

Allele frequency attached by ClinVar (database versions not stated): ExAC 0.00001; gnomAD exomes 0.00001.
gnomAD v4.1: 5 of 1,613,976 alleles (0.00031%); highest among the groups gnomAD compares: Admixed American, 0.0067%; no homozygotes.

Submission:

Labcorp Genetics (formerly Invitae), Labcorp
Classification: Uncertain significance for Spastic paraplegia. Last evaluated: 2022-08-13. Review status: criteria provided, single submitter. Criteria: Invitae Variant Classification Sherloc (09022015). Collection method: clinical testing. Allele origin: germline.
Comment: This sequence change replaces aspartic acid, which is acidic and polar, with asparagine, which is neutral and polar, at codon 137 of the ZFYVE26 protein (p.Asp137Asn). This variant is present in population databases (rs778916063, gnomAD 0.006%). This variant has not been reported in the literature in individuals affected with ZFYVE26-related conditions. ClinVar contains an entry for this variant (Variation ID: 939318). Algorithms developed to predict the effect of missense changes on protein structure and function are either unavailable or do not agree on the potential impact of this missense change (SIFT: "Deleterious"; PolyPhen-2: "Possibly Damaging"; Align-GVGD: "Class C0"). In summary, the available evidence is currently insufficient to determine the role of this variant in disease. Therefore, it has been classified as a Variant of Uncertain Significance.